The following is an entry in ClinVar:

NM_017617.5(NOTCH1):c.5310_5314dup (p.Gly1772fs)

Gene: NOTCH1 (notch receptor 1; minus strand). Cytogenetic location: 9q34.3.
Variant type: Duplication.
Coding change: c.5310_5314dup on transcript NM_017617.5 (MANE Select); coding-DNA positions 5310 to 5314, 5 bases duplicated (TGAGG; older notation c.5310_5314dupTGAGG).
Protein change: p.Gly1772fs; shifts the reading frame from glycine 1772.
Molecular consequence: frameshift variant.
Genome position (GRCh38, 1-based): chr9:136,502,342-136,502,346, CCTCA duplicated on the plus strand (TGAGG on the coding strand, the reverse complement: NOTCH1 is on the minus strand). VCF-style (leftmost placement, unchanged base first): chr9-136502341-C-CCCTCA. GRCh37 (hg19) VCF-style: chr9-139396793-C-CCCTCA.
Other names: short protein forms G1772fs.
Identifiers: ClinVar variation 2131756 (VCV002131756.4), dbSNP rs2540431340, ClinGen allele CA2580081150.

ClinVar aggregate classification (germline): Pathogenic (1 of 4 stars; one submission).

Conditions:
Adams-Oliver syndrome 5 (AOS5). Identifiers: Orphanet 974, MedGen C4014970, MONDO:0014459, OMIM 616028.

Submission:

Labcorp Genetics (formerly Invitae), Labcorp
Classification: Pathogenic for Adams-Oliver syndrome 5. Last evaluated: 2022-04-29. Review status: criteria provided, single submitter. Criteria: Invitae Variant Classification Sherloc (09022015). Collection method: clinical testing. Allele origin: germline.
Comment: Algorithms developed to predict the effect of sequence changes on RNA splicing suggest that this variant may create or strengthen a splice site. For these reasons, this variant has been classified as Pathogenic. This sequence change creates a premature translational stop signal (p.Gly1772Valfs*28) in the NOTCH1 gene. It is expected to result in an absent or disrupted protein product. Loss-of-function variants in NOTCH1 are known to be pathogenic (PMID: 16025100, 21457232, 25132448, 25963545). This variant is not present in population databases (gnomAD no frequency). This variant has not been reported in the literature in individuals affected with NOTCH1-related conditions.

Literature cited by the submitters: PubMed 16025100; PubMed 21457232; PubMed 25132448; PubMed 25963545.